The following is an entry in ClinVar:

ClinVar aggregate classification (germline): Likely benign. Review status: criteria provided, single submitter (1 of 4 stars). 2 submissions from 2 submitters: Likely benign (1). 1 of the submissions does not count toward it. Last evaluated 2024-11-28.

Conditions:
CNTNAP1-related disorder. Also called: CNTNAP1-related disease; CNTNAP1-related condition.

Allele frequency attached by ClinVar (database versions not stated): gnomAD exomes below 0.00001; TOPMed 0.00001.
gnomAD v4.1: 2 of 1,614,162 alleles (0.00012%); highest among the groups gnomAD compares: Admixed American, 0.0017%; no homozygotes.

Submissions (2):

Labcorp Genetics (formerly Invitae), Labcorp
Classification: Likely benign. Last evaluated: 2024-11-28. Review status: criteria provided, single submitter. Criteria: Invitae Variant Classification Sherloc (09022015). Collection method: clinical testing. Allele origin: germline.

PreventionGenetics, part of Exact Sciences
Classification: Likely benign for CNTNAP1-related condition. Last evaluated: 2021-03-09. Review status: no assertion criteria provided. Collection method: clinical testing. Allele origin: germline. Not counted in ClinVar's aggregate classification.
Comment: This variant is classified as likely benign based on ACMG/AMP sequence variant interpretation guidelines (Richards et al. 2015 PMID: 25741868, with internal and published modifications).

NM_003632.3(CNTNAP1):c.2127G>A (p.Gln709=)

Gene: CNTNAP1 (contactin associated protein 1; plus strand). Cytogenetic location: 17q21.2.
Variant type: single nucleotide variant.
Coding change: c.2127G>A on transcript NM_003632.3 (MANE Select); coding-DNA position 2127, G replaced by A.
Protein change: p.Gln709=; no amino-acid change (glutamine 709 retained).
Molecular consequence: synonymous variant.
Genome position (GRCh38, 1-based): chr17:42,691,204, G>A. VCF-style: chr17-42691204-G-A. GRCh37 (hg19) VCF-style: chr17-40843222-G-A.
Other names: c.2127G>A (NM_003632.2).
Identifiers: ClinVar variation 1633985 (VCV001633985.10), dbSNP rs1199745809, ClinGen allele CA500223895.